The following is an entry in ClinVar:

NM_000937.5(POLR2A):c.5209_5212dup (p.Ser1738fs)

Gene: POLR2A (RNA polymerase II subunit A; plus strand). Cytogenetic location: 17p13.1.
Variant type: Duplication.
Coding change: c.5209_5212dup on transcript NM_000937.5 (MANE Select); coding-DNA positions 5209 to 5212, 4 bases duplicated (ACTT; older notation c.5209_5212dupACTT).
Protein change: p.Ser1738fs; shifts the reading frame from serine 1738.
Molecular consequence: frameshift variant.
Genome position (GRCh38, 1-based): chr17:7,513,473-7,513,476, ACTT duplicated. VCF-style (leftmost placement, unchanged base first): chr17-7513472-C-CACTT. GRCh37 (hg19) VCF-style: chr17-7416791-C-CACTT.
Other names: short protein forms S1738fs.
Identifiers: ClinVar variation 3216508 (VCV003216508.1), dbSNP rs2508202290, ClinGen allele CA2825002557.

ClinVar aggregate classification (germline): Uncertain significance (1 of 4 stars; one submission).

Conditions:
Inborn genetic diseases. Identifiers: MedGen C0950123, MeSH D030342.

Submission:

Ambry Genetics
Classification: Uncertain significance for Inborn genetic diseases. Last evaluated: 2023-09-20. Review status: criteria provided, single submitter. Criteria: Ambry Variant Classification Scheme 2023. Collection method: clinical testing. Allele origin: germline.
Comment: The c.5209_5212dupACTT (p.S1738Yfs*37) alteration, located in exon 29 (coding exon 29) of the POLR2A gene, consists of a duplication of ACTT at position 5209, causing a translational frameshift with a predicted alternate stop codon after 37 amino acids. This alteration is expected to result in premature protein truncation or nonsense-mediated mRNA decay. However, loss-of-function of POLR2A has not been established as a mechanism of disease. This variant was not reported in population-based cohorts in the Genome Aggregation Database (gnomAD). Based on insufficient or conflicting evidence, the clinical significance of this alteration remains unclear.